The following is an entry in ClinVar:

ClinVar aggregate classification (germline): Uncertain significance. Review status: criteria provided, multiple submitters, no conflicts (2 of 4 stars). 2 submissions from 2 submitters: Uncertain significance (2). Last evaluated 2025-10-06.

Allele frequency attached by ClinVar (database versions not stated): gnomAD 0.00011 and 0.00010; TOPMed 0.00020; 1000 Genomes Project 30x 0.00031; gnomAD exomes 0.00001 and 0.00002; ExAC 0.00002; ESP Exome Variant Server 0.00008; 1000 Genomes Project 0.00040.
gnomAD v4.1: 24 of 1,613,322 alleles (0.0015%); highest among the groups gnomAD compares: Admixed American, 0.018%; no homozygotes.

Submissions (2):

Labcorp Genetics (formerly Invitae), Labcorp
Classification: Uncertain significance. Last evaluated: 2025-10-06. Review status: criteria provided, single submitter. Criteria: Invitae Variant Classification Sherloc (09022015). Collection method: clinical testing. Allele origin: germline.
Comment: This sequence change replaces isoleucine, which is neutral and non-polar, with leucine, which is neutral and non-polar, at codon 1152 of the RIMS1 protein (p.Ile1152Leu). This variant is present in population databases (rs375329977, gnomAD 0.02%). This missense change has been observed in individual(s) with clinical features of inherited retinal dystrophy (internal data). ClinVar contains an entry for this variant (Variation ID: 860318). An algorithm developed to predict the effect of missense changes on protein structure and function (PolyPhen-2) suggests that this variant is likely to be disruptive. In summary, the available evidence is currently insufficient to determine the role of this variant in disease. Therefore, it has been classified as a Variant of Uncertain Significance.

Ambry Genetics
Classification: Uncertain significance. Last evaluated: 2025-08-01. Review status: criteria provided, single submitter. Criteria: Ambry Variant Classification Scheme 2023. Collection method: clinical testing. Allele origin: germline.

NM_014989.7(RIMS1):c.3454A>C (p.Ile1152Leu)

Gene: RIMS1 (regulating synaptic membrane exocytosis 1; plus strand). Cytogenetic location: 6q13.
Variant type: single nucleotide variant.
Coding change: c.3454A>C on transcript NM_014989.7 (MANE Select); coding-DNA position 3454, A replaced by C.
Protein change: p.Ile1152Leu; replaces isoleucine 1152 with leucine.
Molecular consequence: missense variant. On other transcripts: intron variant (58).
Genome position (GRCh38, 1-based): chr6:72,274,404, A>C. VCF-style: chr6-72274404-A-C. GRCh37 (hg19) VCF-style: chr6-72984107-A-C.
Other names: c.1681A>C, p.Ile561Leu (NM_001350415.2, NM_001350445.2); c.1684A>C, p.Ile562Leu (NM_001350433.2); c.1618A>C, p.Ile540Leu (NM_001350435.2); c.1612A>C, p.Ile538Leu (NM_001350437.2); c.1559+8355A>C (NM_001350428.2, NM_001350459.2, NM_001350424.2 and 1 more transcripts); c.1556+8355A>C (NM_001350430.2, NM_001350421.2, NM_001350450.2); c.1706+8355A>C (NM_001350458.2); c.1628+8355A>C (NM_001350446.2, NM_001350442.2, NM_001350416.2 and 7 more transcripts); and 21 more; short protein forms I1152L, I538L, I561L, I562L, I540L.
Identifiers: ClinVar variation 860318 (VCV000860318.11), dbSNP rs375329977, ClinGen allele CA3886248.